The following is an entry in ClinVar:

ClinVar aggregate classification (germline): Conflicting classifications of pathogenicity. Review status: criteria provided, conflicting classifications (1 of 4 stars). 2 submissions from 2 submitters: Uncertain significance (1); Likely benign (1). Last evaluated 2026-02-17.

Allele frequency attached by ClinVar (database versions not stated): TOPMed 0.00001; gnomAD 0.00017; ExAC 0.00027; 1000 Genomes Project 30x 0.00078; 1000 Genomes Project 0.00080.
gnomAD v4.1: 209 of 1,597,748 alleles (0.013%); highest among the groups gnomAD compares: South Asian, 0.22%; no homozygotes.

Submissions (3):

Women's Health and Genetics/Laboratory Corporation of America, LabCorp
Classification: Uncertain significance. Last evaluated: 2026-02-17. Review status: criteria provided, single submitter. Criteria: LabCorp Variant Classification Summary - May 2015. Collection method: clinical testing. Allele origin: germline.
Comment: Variant summary: C2CD3 c.383G>A (p.Arg128Lys) results in a conservative amino acid change in the encoded protein sequence. Algorithms developed to predict the effect of missense changes on protein structure and function are either unavailable or do not agree on the potential impact of this missense change. The variant allele was found at a frequency of 0.00013 in 1597748 control chromosomes (gnomAD v4). This frequency is not significantly higher than estimated for disease-causing variants in C2CD3, allowing no conclusion about variant significance. To our knowledge, no occurrence of c.383G>A in individuals affected with C2CD3-related conditions and no experimental evidence demonstrating its impact on protein function have been reported. ClinVar contains an entry for this variant (Variation ID: 2076379). Based on the evidence outlined above, the variant was classified as uncertain significance.

Labcorp Genetics (formerly Invitae), Labcorp
Classification: Likely benign. Last evaluated: 2025-10-12. Review status: criteria provided, single submitter. Criteria: Invitae Variant Classification Sherloc (09022015). Collection method: clinical testing. Allele origin: germline.

Dr. Peter K. Rogan Lab, Western University
No classification provided (evidence only). Condition: Cervical cancer. Review status: no classification provided. Collection method: in vitro. Allele origin: not applicable. Functional consequence: skipped exon. Not counted in ClinVar's aggregate classification.

NM_001286577.2(C2CD3):c.383G>A (p.Arg128Lys)

Gene: C2CD3 (C2 domain containing 3 centriole elongation regulator; minus strand). Cytogenetic location: 11q13.4.
Variant type: single nucleotide variant.
Coding change: c.383G>A on transcript NM_001286577.2 (MANE Select); coding-DNA position 383, G replaced by A.
Protein change: p.Arg128Lys; replaces arginine 128 with lysine.
Molecular consequence: missense variant.
Genome position (GRCh38, 1-based): chr11:74,161,499, C>T on the plus strand (G>A on the coding strand, the complement: C2CD3 is on the minus strand). VCF-style: chr11-74161499-C-T. GRCh37 (hg19) VCF-style: chr11-73872544-C-T.
Other names: c.383G>A, p.Arg128Lys (NM_015531.6); short protein forms R128K.
Identifiers: ClinVar variation 2076379 (VCV002076379.6), dbSNP rs535730474, ClinGen allele CA6183240.
Genomic context (GRCh38, chr11:74,161,499, plus strand): 5'-GTAAAAAATCCATTGATTTGATGGGTTGGAGAAAGTTGAGCTAGTCCATTGATCTGAACT[C>T]TACCAATTGGAAGACCATCAAGTTTGGTGATTACTTCCAGCACCAGCACAGCCATATCTA-3'
Protein context (NP_001273506.1, residues 118-138): ITKLDGLPIG[Arg128Lys]VQINGLAQLS